The following is an entry in ClinVar:

NM_015910.7(WDPCP):c.729A>C (p.Pro243=)

Gene: WDPCP (WD repeat containing planar cell polarity effector; minus strand). Cytogenetic location: 2p15.
Variant type: single nucleotide variant.
Coding change: c.729A>C on transcript NM_015910.7 (MANE Select); coding-DNA position 729, A replaced by C.
Protein change: p.Pro243=; no amino-acid change (proline 243 retained).
Molecular consequence: synonymous variant. On other transcripts: non-coding transcript variant (3).
Genome position (GRCh38, 1-based): chr2:63,433,841, T>G on the plus strand (A>C on the coding strand, the complement: WDPCP is on the minus strand). VCF-style: chr2-63433841-T-G. GRCh37 (hg19) VCF-style: chr2-63660975-T-G.
Other names: c.252A>C, p.Pro84= (NM_001042692.3); c.657A>C, p.Pro219= (NM_001354044.2); c.729A>C, p.Pro243= (NM_001354045.2).
Identifiers: ClinVar variation 3357226 (VCV003357226.1).

ClinVar aggregate classification (germline): Likely benign (0 of 4 stars; one submission).

Conditions:
WDPCP-related disorder. Also called: WDPCP-related condition.

Submission:

PreventionGenetics, part of Exact Sciences
Classification: Likely benign for WDPCP-related condition. Last evaluated: 2021-05-04. Review status: no assertion criteria provided. Collection method: clinical testing. Allele origin: germline.
Comment: This variant is classified as likely benign based on ACMG/AMP sequence variant interpretation guidelines (Richards et al. 2015 PMID: 25741868, with internal and published modifications).